The following is an entry in ClinVar:

ClinVar aggregate classification (germline): Uncertain significance. Review status: criteria provided, multiple submitters, no conflicts (2 of 4 stars). 6 submissions from 6 submitters: Uncertain significance (6). Last evaluated 2025-06-10.

Conditions:
Atrial septal defect 5 (ASD5). Identifiers: Orphanet 1478, MedGen C2748552, MONDO:0013011, OMIM 612794.
Dilated cardiomyopathy 1R (CMD1R). Identifiers: Orphanet 154, Orphanet 54260, MedGen C3150681, MONDO:0013261, OMIM 613424.
Hypertrophic cardiomyopathy 11. Also called: ACTC1-Related Familial Hypertrophic Cardiomyopathy. Identifiers: MedGen C2677506, MONDO:0012799, OMIM 612098.
Cardiomyopathy (CMYO). Also called: Cardiomyopathies. Identifiers: Orphanet 167848, MedGen C0878544, MONDO:0004994, HP:0001638. Inheritance: Various modes of inheritance.
Cardiovascular phenotype. Identifiers: MedGen CN230736.
Hypertrophic cardiomyopathy. Also called: HYPERTROPHIC MYOCARDIOPATHY. Identifiers: Orphanet 217569, MedGen C0007194, MeSH D002312, MONDO:0005045, HP:0001639.

Allele frequency attached by ClinVar (database versions not stated): gnomAD exomes below 0.00001 and 0.00002; ExAC 0.00002.
gnomAD v4.1: 7 of 1,614,158 alleles (0.00043%); highest among the groups gnomAD compares: South Asian, 0.0055%; no homozygotes.

Submissions (6):

Ambry Genetics
Classification: Uncertain significance for Cardiovascular phenotype. Last evaluated: 2025-06-10. Review status: criteria provided, single submitter. Criteria: Ambry Variant Classification Scheme 2023. Collection method: clinical testing. Allele origin: germline.
Comment: The p.I73V variant (also known as c.217A>G), located in coding exon 2 of the ACTC1 gene, results from an A to G substitution at nucleotide position 217. The isoleucine at codon 73 is replaced by valine, an amino acid with highly similar properties. This variant was reported in individual(s) with features consistent with hypertrophic cardiomyopathy (HCM) (Pua CJ et al. Circ Genom Precis Med, 2020 Oct;13:424-434). This amino acid position is highly conserved in available vertebrate species. In addition, this alteration is predicted to be deleterious by in silico analysis. Based on the available evidence, the clinical significance of this variant remains unclear.

Labcorp Genetics (formerly Invitae), Labcorp
Classification: Uncertain significance for Dilated cardiomyopathy 1R; Hypertrophic cardiomyopathy 11; Atrial septal defect 5. Last evaluated: 2025-04-14. Review status: criteria provided, single submitter. Criteria: Invitae Variant Classification Sherloc (09022015). Collection method: clinical testing. Allele origin: germline.
Comment: This sequence change replaces isoleucine, which is neutral and non-polar, with valine, which is neutral and non-polar, at codon 73 of the ACTC1 protein (p.Ile73Val). This variant is present in population databases (rs750951965, gnomAD 0.01%). This missense change has been observed in individual(s) with hypertrophic cardiomyopathy (PMID: 32815737). ClinVar contains an entry for this variant (Variation ID: 228429). Invitae Evidence Modeling of protein sequence and biophysical properties (such as structural, functional, and spatial information, amino acid conservation, physicochemical variation, residue mobility, and thermodynamic stability) indicates that this missense variant is not expected to disrupt ACTC1 protein function with a negative predictive value of 80%. In summary, the available evidence is currently insufficient to determine the role of this variant in disease. Therefore, it has been classified as a Variant of Uncertain Significance.

Blueprint Genetics
Classification: Uncertain significance. Last evaluated: 2024-05-16. Review status: criteria provided, single submitter. Criteria: ACMG Guidelines, 2015. Collection method: clinical testing. Allele origin: germline.

All of Us Research Program, National Institutes of Health
Classification: Uncertain significance for Hypertrophic cardiomyopathy. Last evaluated: 2023-12-01. Review status: criteria provided, single submitter. Criteria: ACMG Guidelines, 2015. Collection method: clinical testing. Allele origin: germline. Inheritance: Autosomal dominant inheritance. Observed: 1 variant allele, 1 heterozygote.
Comment: This missense variant replaces isoleucine with valine at codon 73 of the ACTC1 protein. Computational prediction tools and conservation analyses are inconclusive regarding the impact of this variant on the protein function. Computational splicing tools suggest that this variant may not impact RNA splicing. To our knowledge, functional assays have not been performed for this variant nor has this variant been reported in individuals affected with cardiovascular disorders in the literature. This variant has been identified in 4/251472 chromosomes in the general population by the Genome Aggregation Database (gnomAD). Available evidence is insufficient to determine the role of this variant in disease conclusively. Therefore, this variant is classified as a Variant of Uncertain Significance.

This study involves interpretation of variants in research participants for the purpose of population health screening. Participant phenotype was not available at the time of variant classification. Additional details can be found in publication PMID: 35346344, PMCID: PMC8962531

Color Diagnostics, LLC DBA Color Health
Classification: Uncertain significance for Cardiomyopathy. Last evaluated: 2019-06-30. Review status: criteria provided, single submitter. Criteria: ACMG Guidelines, 2015. Collection method: clinical testing. Allele origin: germline.
Comment: This missense variant replaces isoleucine with valine at codon 73 of the ACTC1 protein. Computational prediction tools and conservation analyses are inconclusive regarding the impact of this variant on the protein function. Computational splicing tools suggest that this variant may not impact RNA splicing. To our knowledge, functional assays have not been performed for this variant nor has this variant been reported in individuals affected with cardiovascular disorders in the literature. This variant has been identified in 4/251472 chromosomes in the general population by the Genome Aggregation Database (gnomAD). Available evidence is insufficient to determine the role of this variant in disease conclusively. Therefore, this variant is classified as a Variant of Uncertain Significance.

Laboratory for Molecular Medicine, Mass General Brigham Personalized Medicine
Classification: Uncertain significance. Last evaluated: 2015-03-30. Review status: criteria provided, single submitter. Criteria: LMM Criteria. Collection method: clinical testing. Allele origin: germline. Observed: 1 variant allele.
Comment: The p.Ile73Val variant in ACTC1 has not been previously reported in individuals with cardiomyopathy, but has been identified in 2/16512 South Asian chromosomes by the Exome Aggregation Consortium (ExAC). Comp utational prediction tools and conservation analysis do not provide strong suppo rt for or against an impact the protein. In summary, the clinical significance o f the p.Ile73Val variant is uncertain.

Literature cited by the submitters: PubMed 32815737 (cited by Ambry Genetics and Labcorp Genetics (formerly Invitae), Labcorp).

NM_005159.5(ACTC1):c.217A>G (p.Ile73Val)

Genes: ACTC1 (actin alpha cardiac muscle 1; minus strand), GJD2-DT (GJD2 divergent transcript; plus strand). Cytogenetic location: 15q14.
Variant type: single nucleotide variant.
Coding change: c.217A>G on transcript NM_005159.5 (MANE Select); coding-DNA position 217, A replaced by G.
Protein change: p.Ile73Val; replaces isoleucine 73 with valine.
Molecular consequence: missense variant.
Genome position (GRCh38, 1-based): chr15:34,793,482, T>C on the plus strand (A>G on the coding strand, the complement: ACTC1 is on the minus strand). VCF-style: chr15-34793482-T-C. GRCh37 (hg19) VCF-style: chr15-35085683-T-C.
Other names: short protein forms I73V.
Identifiers: ClinVar variation 228429 (VCV000228429.16), dbSNP rs750951965, ClinGen allele CA041260.
Genomic context (GRCh38, chr15:34,793,482, plus strand): 5'-AGAAGGTGTGGTGCCAGATCTTCTCCATGTCGTCCCAGTTGGTGATGATACCATGCTCGA[T>C]GGGATACTTCAGGGTCAGGATGCCTCTCTTGCTCTGGGCTTCATCACCTACGTAGGAGTC-3'
Protein context (NP_005150.1, residues 63-83): KRGILTLKYP[Ile73Val]EHGIITNWDD